The following is an entry in ClinVar:

ClinVar aggregate classification (germline): Uncertain significance (1 of 4 stars; one submission).

Conditions:
Sclerosteosis 2 (SOST2). Identifiers: Orphanet 3152, MedGen C3280402, MONDO:0013679, OMIM 614305.
Congenital myasthenic syndrome 17. Identifiers: Orphanet 590, MedGen C4225377, MONDO:0014578, OMIM 616304.
Cenani-Lenz syndactyly syndrome. Also called: CENANI SYNDACTYLISM; SYNDACTYLY, TYPE VII. Identifiers: Orphanet 3258, MedGen C1859309, MONDO:0008931, OMIM 212780.

Submission:

Labcorp Genetics (formerly Invitae), Labcorp
Classification: Uncertain significance for Cenani-Lenz syndactyly syndrome; Sclerosteosis 2; Congenital myasthenic syndrome 17. Last evaluated: 2024-02-24. Review status: criteria provided, single submitter. Criteria: Invitae Variant Classification Sherloc (09022015). Collection method: clinical testing. Allele origin: germline.
Comment: This sequence change replaces glutamic acid, which is acidic and polar, with glycine, which is neutral and non-polar, at codon 1092 of the LRP4 protein (p.Glu1092Gly). This variant is not present in population databases (gnomAD no frequency). This variant has not been reported in the literature in individuals affected with LRP4-related conditions. ClinVar contains an entry for this variant (Variation ID: 2047997). An algorithm developed to predict the effect of missense changes on protein structure and function (PolyPhen-2) suggests that this variant is likely to be tolerated. In summary, the available evidence is currently insufficient to determine the role of this variant in disease. Therefore, it has been classified as a Variant of Uncertain Significance.

NM_002334.4(LRP4):c.3275A>G (p.Glu1092Gly)

Gene: LRP4 (LDL receptor related protein 4; minus strand). Cytogenetic location: 11p11.2.
Variant type: single nucleotide variant.
Coding change: c.3275A>G on transcript NM_002334.4 (MANE Select); coding-DNA position 3275, A replaced by G.
Protein change: p.Glu1092Gly; replaces glutamic acid 1092 with glycine.
Molecular consequence: missense variant.
Genome position (GRCh38, 1-based): chr11:46,877,201, T>C on the plus strand (A>G on the coding strand, the complement: LRP4 is on the minus strand). VCF-style: chr11-46877201-T-C. GRCh37 (hg19) VCF-style: chr11-46898752-T-C.
Other names: short protein forms E1092G.
Identifiers: ClinVar variation 2047997 (VCV002047997.4), dbSNP rs2539733635, ClinGen allele CA380275206.